The following is an entry in ClinVar:

ClinVar aggregate classification (germline): Conflicting classifications of pathogenicity. Review status: criteria provided, conflicting classifications (1 of 4 stars). 2 submissions from 2 submitters: Likely pathogenic (1); Uncertain significance (1). Last evaluated 2024-11-21.

Conditions:
Neurodevelopmental disorder with severe motor impairment and absent language. Also called: NEURODEVELOPMENTAL DISORDER WITH VARIABLE MOTOR AND LANGUAGE IMPAIRMENT. Identifiers: Orphanet 647788, MedGen C4540496, MONDO:0060622, OMIM 617804.
Inborn genetic diseases. Identifiers: MedGen C0950123, MeSH D030342.

Submissions (2):

Ambry Genetics
Classification: Uncertain significance for Inborn genetic diseases. Last evaluated: 2024-11-21. Review status: criteria provided, single submitter. Criteria: Ambry Variant Classification Scheme 2023. Collection method: clinical testing. Allele origin: germline.
Comment: The c.2215A>G (p.T739A) alteration is located in exon 14 (coding exon 12) of the DHX30 gene. This alteration results from an A to G substitution at nucleotide position 2215, causing the threonine (T) at amino acid position 739 to be replaced by an alanine (A). This variant was not reported in population-based cohorts in the Genome Aggregation Database (gnomAD). This variant was reported in an individual with features consistent with DHX30-related neurodevelopmental disorder (Mannucci, 2021). This amino acid position is highly conserved in available vertebrate species. This missense alteration is located in a region that has a low rate of benign missense variation (Lek, 2016; Firth, 2009). In an assay testing DHX30 function, this variant showed a functionally abnormal result (Mannucci, 2021). This alteration is predicted to be deleterious by in silico analysis. Based on insufficient or conflicting evidence, the clinical significance of this alteration remains unclear.

Institute of Human Genetics, University Hospital of Duesseldorf
Classification: Likely pathogenic for Neurodevelopmental disorder with severe motor impairment and absent language. Review status: criteria provided, single submitter. Criteria: ACMG Guidelines, 2015. Collection method: not provided. Allele origin: germline. Inheritance: Autosomal dominant inheritance. Affected: yes.

Literature cited by the submitters: PubMed 34020708 (cited by Ambry Genetics).

NM_138615.3(DHX30):c.2215A>G (p.Thr739Ala)

Gene: DHX30 (DExH-box helicase 30; plus strand). Cytogenetic location: 3p21.31.
Variant type: single nucleotide variant.
Coding change: c.2215A>G on transcript NM_138615.3 (MANE Select); coding-DNA position 2215, A replaced by G.
Protein change: p.Thr739Ala; replaces threonine 739 with alanine.
Molecular consequence: missense variant.
Genome position (GRCh38, 1-based): chr3:47,847,885, A>G. VCF-style: chr3-47847885-A-G. GRCh37 (hg19) VCF-style: chr3-47889375-A-G.
Other names: c.2131A>G, p.Thr711Ala (NM_001330990.2); c.2098A>G, p.Thr700Ala (NM_014966.4); short protein forms T711A, T700A, T739A.
Identifiers: ClinVar variation 3501571 (VCV003501571.1).
Genomic context (GRCh38, chr3:47,847,885, plus strand): 5'-CAGCCTCCAGTTGGGGTGCGCAAGATTGTCTTGGCCACCAACATTGCTGAGACTTCCATC[A>G]CAATCAATGACATCGTGCATGTGGTGGACAGTGGGCTGCACAAGGAAGAACGCTATGACC-3'
Protein context (NP_619520.1, residues 729-749): LATNIAETSI[Thr739Ala]INDIVHVVDS